The following is an entry in ClinVar:

ClinVar aggregate classification (germline): Uncertain significance. Review status: criteria provided, multiple submitters, no conflicts (2 of 4 stars). 3 submissions from 3 submitters: Uncertain significance (3). Last evaluated 2025-09-29.

Conditions:
Autosomal recessive spastic paraplegia type 78. Identifiers: Orphanet 513436, MedGen C5567893, MONDO:0014975, OMIM 617225.
Kufor-Rakeb syndrome (KRS). Also called: PARKINSON DISEASE 9, AUTOSOMAL RECESSIVE, JUVENILE-ONSET. Identifiers: Orphanet 306674, Orphanet 314632, MedGen C1847640, MONDO:0011706, OMIM 606693.
Inborn genetic diseases. Identifiers: MedGen C0950123, MeSH D030342.

Allele frequency attached by ClinVar (database versions not stated): gnomAD exomes below 0.00001 and 0.00002; 1000 Genomes Project 30x 0.00031; 1000 Genomes Project 0.00040; ExAC 0.00002; gnomAD 0.00004 and 0.00005; ESP Exome Variant Server 0.00008; TOPMed 0.00003.
gnomAD v4.1: 15 of 1,614,048 alleles (0.00093%); highest among the groups gnomAD compares: Middle Eastern, 0.016%; no homozygotes.

Submissions (3):

Dasa
Classification: Uncertain significance. Last evaluated: 2025-09-29. Review status: criteria provided, single submitter. Criteria: DASA Assertion Criteria. Collection method: clinical testing. Allele origin: germline.
Comment: NM_022089.4(ATP13A2):c.394G>A (p.Ala132Thr) is a missense variant that results in the substitution of alanine with threonine. This variant is rare in population databases. Computational prediction algorithms are consistent with a benign effect. The currently available literature and clinical evidence are not sufficient to establish a definitive association between this variant and the reported condition. Therefore, this variant is classified as a variant of uncertain significance.

Labcorp Genetics (formerly Invitae), Labcorp
Classification: Uncertain significance for Kufor-Rakeb syndrome; Autosomal recessive spastic paraplegia type 78. Last evaluated: 2022-05-08. Review status: criteria provided, single submitter. Criteria: Invitae Variant Classification Sherloc (09022015). Collection method: clinical testing. Allele origin: germline.
Comment: In summary, the available evidence is currently insufficient to determine the role of this variant in disease. Therefore, it has been classified as a Variant of Uncertain Significance. Advanced modeling of protein sequence and biophysical properties (such as structural, functional, and spatial information, amino acid conservation, physicochemical variation, residue mobility, and thermodynamic stability) performed at Invitae indicates that this missense variant is not expected to disrupt ATP13A2 protein function. ClinVar contains an entry for this variant (Variation ID: 843654). This variant has not been reported in the literature in individuals affected with ATP13A2-related conditions. This variant is present in population databases (rs200934541, gnomAD 0.03%). This sequence change replaces alanine, which is neutral and non-polar, with threonine, which is neutral and polar, at codon 132 of the ATP13A2 protein (p.Ala132Thr).

Ambry Genetics
Classification: Uncertain significance for Inborn genetic diseases. Last evaluated: 2017-06-13. Review status: criteria provided, single submitter. Criteria: Ambry Variant Classification Scheme 2023. Collection method: clinical testing. Allele origin: germline.
Comment: The p.A132T variant (also known as c.394G>A), located in coding exon 5 of the ATP13A2 gene, results from a G to A substitution at nucleotide position 394. The alanine at codon 132 is replaced by threonine, an amino acid with similar properties. This amino acid position is not well conserved in available vertebrate species. In addition, this alteration is predicted to be tolerated by in silico analysis. Since supporting evidence is limited at this time, the clinical significance of this alteration remains unclear.

NM_022089.4(ATP13A2):c.394G>A (p.Ala132Thr)

Gene: ATP13A2 (ATPase cation transporting 13A2; minus strand). Cytogenetic location: 1p36.13.
Variant type: single nucleotide variant.
Coding change: c.394G>A on transcript NM_022089.4 (MANE Select); coding-DNA position 394, G replaced by A.
Protein change: p.Ala132Thr; replaces alanine 132 with threonine.
Molecular consequence: missense variant.
Genome position (GRCh38, 1-based): chr1:17,004,775, C>T on the plus strand (G>A on the coding strand, the complement: ATP13A2 is on the minus strand). VCF-style: chr1-17004775-C-T. GRCh37 (hg19) VCF-style: chr1-17331270-C-T.
Other names: c.394G>A, p.Ala132Thr (NM_001141973.3, NM_001141974.3); short protein forms A132T.
Identifiers: ClinVar variation 843654 (VCV000843654.10), dbSNP rs200934541, ClinGen allele CA637654.